The following is an entry in ClinVar:

NM_001127178.3(PIGG):c.1740_1743del (p.Phe580fs)

Gene: PIGG (phosphatidylinositol glycan anchor biosynthesis class G (EMM blood group); plus strand). Cytogenetic location: 4p16.3.
Variant type: Deletion.
Coding change: c.1740_1743del on transcript NM_001127178.3 (MANE Select); coding-DNA positions 1740 to 1743, 4 bases deleted (CCTT; older notation c.1740_1743delCCTT).
Protein change: p.Phe580fs; shifts the reading frame from phenylalanine 580.
Molecular consequence: frameshift variant. On other transcripts: non-coding transcript variant (7).
Genome position (GRCh38, 1-based): chr4:523,584-523,587, CCTT deleted; deleting any 4 consecutive bases within chr4:523,581-523,587 gives the same sequence; the c. name uses the placement nearest the transcript's 3' end. VCF-style (leftmost placement, unchanged base first): chr4-523580-ACTTC-A. GRCh37 (hg19) VCF-style: chr4-517369-ACTTC-A.
Other names: c.1473_1476del, p.Phe491fs (NM_001289051.2, NM_001345986.2); c.1341_1344del, p.Phe447fs (NM_001289052.2); c.1449_1452del, p.Phe483fs (NM_001345987.2); c.711_714del, p.Phe237fs (NM_001345988.2); c.207_210del, p.Phe69fs (NM_001345990.2, NM_001345991.2); c.642_645del, p.Phe214fs (NM_001345994.2); c.1716_1719del, p.Phe572fs (NM_017733.5); short protein forms F237fs, F447fs, F491fs, F572fs, F69fs, F214fs, F483fs, F580fs.
Identifiers: ClinVar variation 837041 (VCV000837041.10), dbSNP rs1726676630, ClinGen allele CA916082621.

ClinVar aggregate classification (germline): Pathogenic. Review status: criteria provided, multiple submitters, no conflicts (2 of 4 stars). 2 submissions from 2 submitters: Pathogenic (2). Last evaluated 2025-01-08.

Conditions:
Intellectual disability, autosomal recessive 53 (NEDHSCA). Also called: GLYCOSYLPHOSPHATIDYLINOSITOL BIOSYNTHESIS DEFECT 13; Mental retardation, autosomal recessive 53; NEURODEVELOPMENTAL DISORDER WITH OR WITHOUT HYPOTONIA, SEIZURES, AND CEREBELLAR ATROPHY. Identifiers: Orphanet 488635, MedGen C4310794, MONDO:0014832, OMIM 616917.

Submissions (2):

GeneDx
Classification: Pathogenic. Last evaluated: 2025-01-08. Review status: criteria provided, single submitter. Criteria: GeneDx Variant Classification Process June 2021. Collection method: clinical testing. Allele origin: germline.
Comment: Frameshift variant predicted to result in protein truncation or nonsense mediated decay in a gene for which loss of function is a known mechanism of disease; Not observed at significant frequency in large population cohorts (gnomAD); This variant is associated with the following publications: (PMID: 34113002)

Labcorp Genetics (formerly Invitae), Labcorp
Classification: Pathogenic for Intellectual disability, autosomal recessive 53. Last evaluated: 2019-11-20. Review status: criteria provided, single submitter. Criteria: Invitae Variant Classification Sherloc (09022015). Collection method: clinical testing. Allele origin: germline.
Comment: This variant has not been reported in the literature in individuals with PIGG-related conditions. This variant is not present in population databases (ExAC no frequency). This sequence change creates a premature translational stop signal (p.Phe580Leufs*2) in the PIGG gene. It is expected to result in an absent or disrupted protein product. Loss-of-function variants in PIGG are known to be pathogenic (PMID: 26996948, 28581210, 28771251). For these reasons, this variant has been classified as Pathogenic.

Literature cited by the submitters: PubMed 26996948 (cited by Labcorp Genetics (formerly Invitae), Labcorp); PubMed 28581210 (cited by Labcorp Genetics (formerly Invitae), Labcorp); PubMed 28771251 (cited by Labcorp Genetics (formerly Invitae), Labcorp).